The following is an entry in ClinVar:

NM_015021.3(ZNF292):c.1471G>C (p.Glu491Gln)

Gene: ZNF292 (zinc finger protein 292; plus strand). Cytogenetic location: 6q14.3.
Variant type: single nucleotide variant.
Coding change: c.1471G>C on transcript NM_015021.3 (MANE Select); coding-DNA position 1471, G replaced by C.
Protein change: p.Glu491Gln; replaces glutamic acid 491 with glutamine.
Molecular consequence: missense variant.
Genome position (GRCh38, 1-based): chr6:87,255,100, G>C. VCF-style: chr6-87255100-G-C. GRCh37 (hg19) VCF-style: chr6-87964818-G-C.
Other names: c.1051G>C, p.Glu351Gln (NM_001351444.2); short protein forms E351Q, E491Q.
Identifiers: ClinVar variation 4881184 (VCV004881184.2).

ClinVar aggregate classification (germline): Uncertain significance (1 of 4 stars; one submission).

Conditions:
Complex neurodevelopmental disorder. Identifiers: Orphanet 528084, MedGen C5568766, MONDO:0100038.

Submission:

Dasa
Classification: Uncertain significance for Complex neurodevelopmental disorder. Last evaluated: 2025-10-06. Review status: criteria provided, single submitter. Criteria: DASA Assertion Criteria. Collection method: clinical testing. Allele origin: germline.
Comment: NM_015021.3(ZNF292):c.1471G>C (p.Glu491Gln) is a missense variant that results in the substitution of glutamic acid with glutamine. This variant is absent from population databases. Computational prediction algorithms are consistent with a benign effect. The currently available literature and clinical evidence are not sufficient to establish a definitive association between this variant and the reported condition. Therefore, this variant is classified as a variant of uncertain significance.